The following is an entry in ClinVar:

NM_022041.4(GAN):c.1402A>G (p.Met468Val)

Gene: GAN (gigaxonin; plus strand). Cytogenetic location: 16q23.2.
Variant type: single nucleotide variant.
Coding change: c.1402A>G on transcript NM_022041.4 (MANE Select); coding-DNA position 1402, A replaced by G.
Protein change: p.Met468Val; replaces methionine 468 with valine.
Molecular consequence: missense variant.
Genome position (GRCh38, 1-based): chr16:81,365,378, A>G. VCF-style: chr16-81365378-A-G. GRCh37 (hg19) VCF-style: chr16-81398983-A-G.
Other names: c.763A>G, p.Met255Val (NM_001377486.1); c.1402A>G (NM_022041.3); short protein forms M468V, M255V.
Identifiers: ClinVar variation 1424800 (VCV001424800.5), dbSNP rs375408288, ClinGen allele CA8191761.

ClinVar aggregate classification (germline): Conflicting classifications of pathogenicity. Review status: criteria provided, conflicting classifications (1 of 4 stars). 2 submissions from 2 submitters: Uncertain significance (1); Likely benign (1). Last evaluated 2024-10-30.

Conditions:
Giant axonal neuropathy 1 (GAN1). Also called: GIANT AXONAL NEUROPATHY 1, AUTOSOMAL RECESSIVE; GAN-Related Neurodegeneration. Identifiers: Orphanet 643, MedGen C1850386, MONDO:0009749, OMIM 256850.
Inborn genetic diseases. Identifiers: MedGen C0950123, MeSH D030342.

Allele frequency attached by ClinVar (database versions not stated): TOPMed below 0.00001; gnomAD 0.00001; ESP Exome Variant Server 0.00008.
gnomAD v4.1: 37 of 1,613,518 alleles (0.0023%); highest among the groups gnomAD compares: Non-Finnish European, 0.0028%; no homozygotes.

Submissions (2):

Labcorp Genetics (formerly Invitae), Labcorp
Classification: Uncertain significance for Giant axonal neuropathy 1. Last evaluated: 2024-10-30. Review status: criteria provided, single submitter. Criteria: Invitae Variant Classification Sherloc (09022015). Collection method: clinical testing. Allele origin: germline.
Comment: This sequence change replaces methionine, which is neutral and non-polar, with valine, which is neutral and non-polar, at codon 468 of the GAN protein (p.Met468Val). This variant is present in population databases (rs375408288, gnomAD 0.002%). This variant has not been reported in the literature in individuals affected with GAN-related conditions. ClinVar contains an entry for this variant (Variation ID: 1424800). Invitae Evidence Modeling of protein sequence and biophysical properties (such as structural, functional, and spatial information, amino acid conservation, physicochemical variation, residue mobility, and thermodynamic stability) indicates that this missense variant is not expected to disrupt GAN protein function with a negative predictive value of 80%. In summary, the available evidence is currently insufficient to determine the role of this variant in disease. Therefore, it has been classified as a Variant of Uncertain Significance.

Ambry Genetics
Classification: Likely benign for Inborn genetic diseases. Last evaluated: 2023-11-16. Review status: criteria provided, single submitter. Criteria: Ambry Variant Classification Scheme 2023. Collection method: clinical testing. Allele origin: germline.